The following is an entry in ClinVar:

NM_004006.3(DMD):c.2804-10T>G

Gene: DMD (dystrophin; minus strand). Cytogenetic location: Xp21.1.
Variant type: single nucleotide variant.
Coding change: c.2804-10T>G on transcript NM_004006.3 (MANE Select); 10 bases into the intron before coding-DNA position 2804, T replaced by G.
Molecular consequence: intron variant.
Genome position (GRCh38, 1-based): chrX:32,472,319, A>C on the plus strand (T>G on the coding strand, the complement: DMD is on the minus strand). VCF-style: chrX-32472319-A-C. GRCh37 (hg19) VCF-style: chrX-32490436-A-C.
Other names: c.2780-10T>G (NM_000109.4); c.2792-10T>G (NM_004009.3); c.2435-10T>G (NM_004010.3); c.2804-10T>G (NM_004006.2).
Identifiers: ClinVar variation 2843524 (VCV002843524.4), dbSNP rs2524679633, ClinGen allele CA2739273373.

ClinVar aggregate classification (germline): Likely benign. Review status: criteria provided, multiple submitters, no conflicts (2 of 4 stars). 2 submissions from 2 submitters: Likely benign (2). Last evaluated 2026-09-10.

Conditions:
DMD-related disorder. Also called: DMD-related condition.
Duchenne muscular dystrophy (DMD). Also called: Duchenne Muscular Dystrophy (DMD); MUSCULAR DYSTROPHY, PSEUDOHYPERTROPHIC PROGRESSIVE, DUCHENNE TYPE. Identifiers: Orphanet 98896, MedGen C0013264, MONDO:0010679, OMIM 310200.

Submissions (2):

PreventionGenetics, part of Exact Sciences
Classification: Likely benign for DMD-related condition. Last evaluated: 2026-09-10. Review status: criteria provided, single submitter. Criteria: ACMG Guidelines, 2015. Collection method: clinical testing. Allele origin: germline.
Comment: This variant is classified as likely benign based on ACMG/AMP sequence variant interpretation guidelines (Richards et al. 2015 PMID: 25741868, with internal and published modifications).

Labcorp Genetics (formerly Invitae), Labcorp
Classification: Likely benign for Duchenne muscular dystrophy. Last evaluated: 2023-03-07. Review status: criteria provided, single submitter. Criteria: Invitae Variant Classification Sherloc (09022015). Collection method: clinical testing. Allele origin: germline.